The following is an entry in ClinVar:

NM_001378457.1(DMXL2):c.6046G>A (p.Asp2016Asn)

Gene: DMXL2 (Dmx like 2; minus strand). Cytogenetic location: 15q21.2.
Variant type: single nucleotide variant.
Coding change: c.6046G>A on transcript NM_001378457.1 (MANE Select); coding-DNA position 6046, G replaced by A.
Protein change: p.Asp2016Asn; replaces aspartic acid 2016 with asparagine.
Molecular consequence: missense variant. On other transcripts: non-coding transcript variant (2).
Genome position (GRCh38, 1-based): chr15:51,481,060, C>T on the plus strand (G>A on the coding strand, the complement: DMXL2 is on the minus strand). VCF-style: chr15-51481060-C-T. GRCh37 (hg19) VCF-style: chr15-51773257-C-T.
Other names: p.Asp2016Asn; c.6046G>A, p.Asp2016Asn (NM_001174116.3, NM_001378458.1, NM_001378459.1 and 4 more transcripts); c.4138G>A, p.Asp1380Asn (NM_001174117.3); c.4027G>A, p.Asp1343Asn (NM_001378460.1); c.5806G>A, p.Asp1936Asn (NM_001378464.1); c.6046G>A (NM_001174116.2); short protein forms D1380N, D2016N, D1343N, D1936N.
Identifiers: ClinVar variation 720174 (VCV000720174.50), dbSNP rs146972389, ClinGen allele CA7561695.

ClinVar aggregate classification (germline): Benign/Likely benign. Review status: criteria provided, multiple submitters, no conflicts (2 of 4 stars). 5 submissions from 5 submitters: Benign (1); Likely benign (3). 1 of the submissions does not count toward it. Last evaluated 2026-09-01.

Conditions:
DMXL2-related disorder. Also called: DMXL2-related condition.

Allele frequency attached by ClinVar (database versions not stated): 1000 Genomes Project 30x 0.00031; 1000 Genomes Project 0.00040; gnomAD 0.00159 and 0.00163; TOPMed 0.00160; gnomAD exomes 0.00175 and 0.00287; ExAC 0.00207; ESP Exome Variant Server 0.00270.
gnomAD v4.1: 4,370 of 1,614,098 alleles (0.27%); highest among the groups gnomAD compares: Non-Finnish European, 0.34%; 14 homozygotes.

Submissions (5):

CeGaT Center for Human Genetics Tuebingen
Classification: Likely benign. Last evaluated: 2026-09-01. Review status: criteria provided, single submitter. Criteria: CeGaT Center For Human Genetics Tuebingen Variant Classification Criteria Version 2. Collection method: clinical testing. Allele origin: germline. Affected: yes. Observed: 12 variant alleles.
Comment: DMXL2: BP4, BS2

Labcorp Genetics (formerly Invitae), Labcorp
Classification: Likely benign. Last evaluated: 2026-01-28. Review status: criteria provided, single submitter. Criteria: Invitae Variant Classification Sherloc (09022015). Collection method: clinical testing. Allele origin: germline.

Mayo Clinic Laboratories, Mayo Clinic
Classification: Benign. Last evaluated: 2025-01-24. Review status: criteria provided, single submitter. Criteria: ACMG Guidelines, 2015. Collection method: clinical testing. Allele origin: germline. Observed: 3 variant alleles.
Comment: BS1, BS2, BP4

Blueprint Genetics
Classification: Likely benign. Last evaluated: 2024-11-20. Review status: criteria provided, single submitter. Criteria: ACMG Guidelines, 2015. Collection method: clinical testing. Allele origin: germline.

PreventionGenetics, part of Exact Sciences
Classification: Likely benign for DMXL2-related condition. Last evaluated: 2021-09-25. Review status: no assertion criteria provided. Collection method: clinical testing. Allele origin: germline. Not counted in ClinVar's aggregate classification.
Comment: This variant is classified as likely benign based on ACMG/AMP sequence variant interpretation guidelines (Richards et al. 2015 PMID: 25741868, with internal and published modifications).

Literature cited by the submitters: PubMed 36268624 (cited by Mayo Clinic Laboratories, Mayo Clinic).